The following is an entry in ClinVar:

ClinVar aggregate classification (germline): Uncertain significance. Review status: criteria provided, multiple submitters, no conflicts (2 of 4 stars). 2 submissions from 2 submitters: Uncertain significance (2). Last evaluated 2022-01-21.

Allele frequency attached by ClinVar (database versions not stated): gnomAD 0.00001; gnomAD exomes 0.00001; ExAC 0.00003.
gnomAD v4.1: 16 of 1,603,458 alleles (0.001%); highest among the groups gnomAD compares: Middle Eastern, 0.017%; 2 homozygotes.

Submissions (2):

Labcorp Genetics (formerly Invitae), Labcorp
Classification: Uncertain significance. Last evaluated: 2022-01-21. Review status: criteria provided, single submitter. Criteria: Invitae Variant Classification Sherloc (09022015). Collection method: clinical testing. Allele origin: germline.
Comment: This sequence change affects codon 472 of the KANK2 mRNA. It is a 'silent' change, meaning that it does not change the encoded amino acid sequence of the KANK2 protein. It affects a nucleotide within the consensus splice site. The frequency data for this variant in the population databases is considered unreliable, as metrics indicate poor data quality at this position in the gnomAD database. This variant has not been reported in the literature in individuals affected with KANK2-related conditions. Algorithms developed to predict the effect of sequence changes on RNA splicing suggest that this variant is not likely to affect RNA splicing. In summary, the available evidence is currently insufficient to determine the role of this variant in disease. Therefore, it has been classified as a Variant of Uncertain Significance.

Breakthrough Genomics
Classification: Uncertain significance. Review status: criteria provided, single submitter. Criteria: ACMG Guidelines, 2015. Collection method: not provided. Allele origin: germline. Inheritance: Autosomal recessive inheritance. Affected: yes.

NM_001136191.3(KANK2):c.1416C>T (p.Thr472=)

Gene: KANK2 (KN motif and ankyrin repeat domains 2; minus strand). Cytogenetic location: 19p13.2.
Variant type: single nucleotide variant.
Coding change: c.1416C>T on transcript NM_001136191.3 (MANE Select); coding-DNA position 1416, C replaced by T.
Protein change: p.Thr472=; no amino-acid change (threonine 472 retained).
Molecular consequence: synonymous variant.
Genome position (GRCh38, 1-based): chr19:11,178,554, G>A on the plus strand (C>T on the coding strand, the complement: KANK2 is on the minus strand). VCF-style: chr19-11178554-G-A. GRCh37 (hg19) VCF-style: chr19-11289230-G-A.
Other names: c.1416C>T, p.Thr472= (NM_001329451.2, NM_001379548.1, NM_001379549.1 and 15 more transcripts).
Identifiers: ClinVar variation 1903651 (VCV001903651.6), dbSNP rs775104499, ClinGen allele CA9205707.